The following is an entry in ClinVar:

ClinVar aggregate classification (germline): Conflicting classifications of pathogenicity. Review status: criteria provided, conflicting classifications (1 of 4 stars). 2 submissions from 2 submitters: Uncertain significance (1); Likely benign (1). Last evaluated 2024-03-07.

Conditions:
Wilson disease (WND). Also called: Wilson's disease. Identifiers: Orphanet 905, MedGen C0019202, MONDO:0010200, OMIM 277900. Disease mechanism: loss of function.

Submissions (2):

Labcorp Genetics (formerly Invitae), Labcorp
Classification: Likely benign for Wilson disease. Last evaluated: 2024-03-07. Review status: criteria provided, single submitter. Criteria: Invitae Variant Classification Sherloc (09022015). Collection method: clinical testing. Allele origin: germline.

All of Us Research Program, National Institutes of Health
Classification: Uncertain significance for Wilson disease. Last evaluated: 2023-07-19. Review status: criteria provided, single submitter. Criteria: ACMG Guidelines, 2015. Collection method: clinical testing. Allele origin: germline. Inheritance: Autosomal recessive inheritance. Observed: 1 variant allele, 1 heterozygote.
Comment: This variant causes an A to C nucleotide substitution at the -4 position of intron 11 of the ATP7B gene. To our knowledge, functional studies have not been reported for this variant. This variant has not been reported in individuals affected with ATP7B-related disorders in the literature. This variant has not been identified in the general population by the Genome Aggregation Database (gnomAD). The available evidence is insufficient to determine the role of this variant in disease conclusively. Therefore, this variant is classified as a Variant of Uncertain Significance.

This study involves interpretation of variants in research participants for the purpose of population health screening. Participant phenotype was not available at the time of variant classification. Additional details can be found in publication PMID: 35346344, PMCID: PMC8962531

NM_000053.4(ATP7B):c.2731-4A>C

Gene: ATP7B (ATPase copper transporting beta; minus strand). Cytogenetic location: 13q14.3.
Variant type: single nucleotide variant.
Coding change: c.2731-4A>C on transcript NM_000053.4 (MANE Select); 4 bases into the intron before coding-DNA position 2731, A replaced by C.
Molecular consequence: intron variant.
Genome position (GRCh38, 1-based): chr13:51,949,800, T>G on the plus strand (A>C on the coding strand, the complement: ATP7B is on the minus strand). VCF-style: chr13-51949800-T-G. GRCh37 (hg19) VCF-style: chr13-52523936-T-G.
Other names: c.2398-4A>C (NM_001243182.2); c.2244+207A>C (NM_001005918.3); c.2479-4A>C (NM_001330579.2); c.2497-4A>C (NM_001330578.2).
Identifiers: ClinVar variation 1127460 (VCV001127460.10), dbSNP rs2139193356, ClinGen allele CA2499222474.
Genomic context (GRCh38, chr13:51,949,800, plus strand): 5'-GATGATAAATGGGACAAAATATCCACTAAACCGGTCAGCCAGCTGCTGAATGGGTGCCTA[T>G]GAAAATAAAACACCAAGACCATGGGAAATTACAACCTATGAAGAAATAAAACACCACAAG-3'